The following is an entry in ClinVar:

NM_000504.4(F10):c.205G>A (p.Glu69Lys)

Genes: F10 (coagulation factor X; plus strand), F10-AS1 (F10 antisense RNA 1; minus strand). Cytogenetic location: 13q34.
Variant type: single nucleotide variant.
Coding change: c.205G>A on transcript NM_000504.4 (MANE Select); coding-DNA position 205, G replaced by A.
Protein change: p.Glu69Lys; replaces glutamic acid 69 with lysine.
Molecular consequence: missense variant.
Genome position (GRCh38, 1-based): chr13:113,129,586, G>A. VCF-style: chr13-113129586-G-A. GRCh37 (hg19) VCF-style: chr13-113783900-G-A.
Other names: c.205G>A, p.Glu69Lys (NM_001312674.2, NM_001312675.2); short protein forms E69K.
Identifiers: ClinVar variation 1684307 (VCV001684307.2), dbSNP rs1325135019, ClinGen allele CA388787689.

ClinVar aggregate classification (germline): Likely pathogenic. Review status: criteria provided, single submitter (1 of 4 stars). 2 submissions from 2 submitters: Likely pathogenic (1). 1 of the submissions does not count toward it. Last evaluated 2025-12-03.

Conditions:
Hereditary factor X deficiency disease. Also called: Congenital factor X deficiency; STUART-PROWER FACTOR DEFICIENCY. Identifiers: Orphanet 328, MedGen C0272327, MONDO:0009212, OMIM 227600.
Factor X deficiency. Also called: F10 DEFICIENCY. Identifiers: MedGen C0015519, MeSH D005171, MONDO:0002247.

gnomAD v4.1: 1 of 1,614,206 alleles (0.000062%); highest among the groups gnomAD compares: Non-Finnish European, 0.000085%; no homozygotes.

Submissions (2):

North West Genomic Laboratory Hub, Manchester University NHS Foundation Trust
Classification: Likely pathogenic for Factor X deficiency. Last evaluated: 2025-12-03. Review status: criteria provided, single submitter. Criteria: ACGS Best Practice Guidelines for Variant Classification in Rare Disease 2024. Collection method: clinical testing. Allele origin: germline. Affected: yes.
Comment: PP4_Mod PM2_Mod PP3_Supp PM3_Supp

ISTH-SSC Genomics in Thrombosis and Hemostasis, KU Leuven, Center for Molecular and Vascular Biology
Classification: Likely pathogenic for Hereditary factor X deficiency disease. Review status: no assertion criteria provided. Collection method: research. Allele origin: unknown. Affected: yes. Not counted in ClinVar's aggregate classification.
Comment: Submitted to GoldVariant by Dr Karyn Mégy from NIHR Bioresource - Cambridge University, UK